The following is an entry in ClinVar:

NM_004329.3(BMPR1A):c.994C>T (p.Leu332Phe)

Gene: BMPR1A (bone morphogenetic protein receptor type 1A; plus strand). Cytogenetic location: 10q23.2.
Variant type: single nucleotide variant.
Coding change: c.994C>T on transcript NM_004329.3 (MANE Select); coding-DNA position 994, C replaced by T.
Protein change: p.Leu332Phe; replaces leucine 332 with phenylalanine.
Molecular consequence: missense variant.
Genome position (GRCh38, 1-based): chr10:86,919,297, C>T. VCF-style: chr10-86919297-C-T. GRCh37 (hg19) VCF-style: chr10-88679054-C-T.
Other names: short protein forms L332F.
Identifiers: ClinVar variation 1339395 (VCV001339395.6), dbSNP rs2133591377, ClinGen allele CA377460451.
Genomic context (GRCh38, chr10:86,919,297, plus strand): 5'-CATGAAAATGGATCTCTCTATGACTTCCTGAAATGTGCTACACTGGACACCAGAGCCCTG[C>T]TTAAATTGGCTTATTCAGCTGCCTGTGGTCTGTGCCACCTGCACACAGAAATTTATGGCA-3'
Protein context (NP_004320.2, residues 322-342): KCATLDTRAL[Leu332Phe]KLAYSAACGL

ClinVar aggregate classification (germline): Uncertain significance. Review status: criteria provided, multiple submitters, no conflicts (2 of 4 stars). 3 submissions from 3 submitters: Uncertain significance (2). 1 of the submissions does not count toward it. Last evaluated 2026-05-15.

Conditions:
Juvenile polyposis syndrome (JPS). Identifiers: Orphanet 2929, MedGen C0345893, MONDO:0017380, OMIM 174900.
Pulmonary arterial hypertension. Identifiers: Orphanet 182090, MedGen C2973725, MeSH D000081029, MONDO:0015924, HP:0002092.
Idiopathic and/or familial pulmonary arterial hypertension. Identifiers: Orphanet 422, MedGen C5679820, MONDO:0008347.
Hereditary cancer-predisposing syndrome. Also called: Neoplastic Syndromes, Hereditary; Tumor predisposition; Hereditary Cancer Syndrome; Hereditary neoplastic syndrome. Identifiers: Orphanet 140162, MedGen C0027672, MeSH D009386, MONDO:0015356.

Allele frequency attached by ClinVar (database versions not stated): gnomAD exomes below 0.00001.
gnomAD v4.1: 1 of 1,613,986 alleles (0.000062%); highest among the groups gnomAD compares: Non-Finnish European, 0.000085%; no homozygotes.

Submissions (3):

Ambry Genetics
Classification: Uncertain significance for Hereditary cancer-predisposing syndrome. Last evaluated: 2026-05-15. Review status: criteria provided, single submitter. Criteria: Ambry Variant Classification Scheme 2023. Collection method: clinical testing. Allele origin: germline.
Comment: The p.L332F variant (also known as c.994C>T), located in coding exon 8 of the BMPR1A gene, results from a C to T substitution at nucleotide position 994. The leucine at codon 332 is replaced by phenylalanine, an amino acid with highly similar properties. This amino acid position is highly conserved in available vertebrate species. In addition, the in silico prediction for this alteration is inconclusive. Based on the available evidence, the clinical significance of this variant remains unclear.

Labcorp Genetics (formerly Invitae), Labcorp
Classification: Uncertain significance for Juvenile polyposis syndrome. Last evaluated: 2023-06-30. Review status: criteria provided, single submitter. Criteria: Invitae Variant Classification Sherloc (09022015). Collection method: clinical testing. Allele origin: germline.
Comment: ClinVar contains an entry for this variant (Variation ID: 1339395). In summary, the available evidence is currently insufficient to determine the role of this variant in disease. Therefore, it has been classified as a Variant of Uncertain Significance. Advanced modeling of protein sequence and biophysical properties (such as structural, functional, and spatial information, amino acid conservation, physicochemical variation, residue mobility, and thermodynamic stability) has been performed at Invitae for this missense variant, however the output from this modeling did not meet the statistical confidence thresholds required to predict the impact of this variant on BMPR1A protein function. This variant has not been reported in the literature in individuals affected with BMPR1A-related conditions. This variant is not present in population databases (gnomAD no frequency). This sequence change replaces leucine, which is neutral and non-polar, with phenylalanine, which is neutral and non-polar, at codon 332 of the BMPR1A protein (p.Leu332Phe).

Wendy Chung Laboratory, Boston Children's Hospital
No classification provided. Condition: Idiopathic and/or familial pulmonary arterial hypertension. Review status: no classification provided. Collection method: literature only. Allele origin: germline. Affected: yes. Not counted in ClinVar's aggregate classification.

Literature cited by the submitters: PubMed 31727138 (cited by Wendy Chung Laboratory, Boston Children's Hospital).